The following is an entry in ClinVar:

NC_000010.10:g.(?_88635625)_(88683476_?)dup

Gene: BMPR1A (bone morphogenetic protein receptor type 1A; plus strand). Cytogenetic location: 10q23.2.
Variant type: Duplication.
Identifiers: ClinVar variation 2425068 (VCV002425068.5).

ClinVar aggregate classification (germline): Uncertain significance (1 of 4 stars; one submission).

Conditions:
Juvenile polyposis syndrome (JPS). Identifiers: Orphanet 2929, MedGen C0345893, MONDO:0017380, OMIM 174900.

Submission:

Labcorp Genetics (formerly Invitae), Labcorp
Classification: Uncertain significance for Juvenile polyposis syndrome. Last evaluated: 2022-08-20. Review status: criteria provided, single submitter. Criteria: Invitae Variant Classification Sherloc (09022015). Collection method: clinical testing. Allele origin: germline.
Comment: In summary, the available evidence is currently insufficient to determine the role of this variant in disease. Therefore, it has been classified as a Variant of Uncertain Significance. This variant has not been reported in the literature in individuals affected with BMPR1A-related conditions. A copy number gain of the genomic region encompassing the full coding sequence of the BMPR1A gene has been identified. The boundaries of this event are unknown as they extend beyond the assayed region for this gene and therefore may encompass additional genes. As the precise location of this event is unknown, it may be in tandem or it may be located elsewhere in the genome.